The following is an entry in ClinVar:

ClinVar aggregate classification (germline): Likely benign. Review status: criteria provided, multiple submitters, no conflicts (2 of 4 stars). 2 submissions from 2 submitters: Likely benign (2). Last evaluated 2026-05-28.

Conditions:
SPEG-related disorder. Also called: SPEG-related condition.

gnomAD v4.1: 13 of 1,613,950 alleles (0.00081%); highest among the groups gnomAD compares: East Asian, 0.0045%; no homozygotes.

Submissions (2):

PreventionGenetics, part of Exact Sciences
Classification: Likely benign for SPEG-related condition. Last evaluated: 2026-05-28. Review status: criteria provided, single submitter. Criteria: ACMG Guidelines, 2015. Collection method: clinical testing. Allele origin: germline.
Comment: This variant is classified as likely benign based on ACMG/AMP sequence variant interpretation guidelines (Richards et al. 2015 PMID: 25741868, with internal and published modifications).

Labcorp Genetics (formerly Invitae), Labcorp
Classification: Likely benign. Last evaluated: 2024-10-17. Review status: criteria provided, single submitter. Criteria: Invitae Variant Classification Sherloc (09022015). Collection method: clinical testing. Allele origin: germline.

NM_005876.5(SPEG):c.3405G>A (p.Ala1135=)

Gene: SPEG (striated muscle enriched protein kinase; plus strand). Cytogenetic location: 2q35.
Variant type: single nucleotide variant.
Coding change: c.3405G>A on transcript NM_005876.5 (MANE Select); coding-DNA position 3405, G replaced by A.
Protein change: p.Ala1135=; no amino-acid change (alanine 1135 retained).
Molecular consequence: synonymous variant.
Genome position (GRCh38, 1-based): chr2:219,468,962, G>A. VCF-style: chr2-219468962-G-A. GRCh37 (hg19) VCF-style: chr2-220333684-G-A.
Other names: c.3405G>A (NM_005876.4).
Identifiers: ClinVar variation 3717167 (VCV003717167.3).